The following is an entry in ClinVar:

NM_000016.6(ACADM):c.843A>T (p.Arg281Ser)

Gene: ACADM (acyl-CoA dehydrogenase medium chain; plus strand). Cytogenetic location: 1p31.1.
Variant type: single nucleotide variant.
Coding change: c.843A>T on transcript NM_000016.6 (MANE Select); coding-DNA position 843, A replaced by T.
Protein change: p.Arg281Ser; replaces arginine 281 with serine.
Molecular consequence: missense variant.
Genome position (GRCh38, 1-based): chr1:75,749,553, A>T. VCF-style: chr1-75749553-A-T. GRCh37 (hg19) VCF-style: chr1-76215238-A-T.
Other names: c.855A>T, p.Arg285Ser (NM_001127328.3); c.735A>T, p.Arg245Ser (NM_001286042.2); c.942A>T, p.Arg314Ser (NM_001286043.2); c.276A>T, p.Arg92Ser (NM_001286044.2); short protein forms R281S, R314S, R245S, R92S, R285S.
Identifiers: ClinVar variation 550313 (VCV000550313.18), dbSNP rs780504551, ClinGen allele CA913211.

ClinVar aggregate classification (germline): Pathogenic/Likely pathogenic. Review status: criteria provided, multiple submitters, no conflicts (2 of 4 stars). 4 submissions from 4 submitters: Pathogenic (2); Likely pathogenic (1). 1 of the submissions does not count toward it. Last evaluated 2025-01-27.

Conditions:
Medium-chain acyl-coenzyme A dehydrogenase deficiency (ACADMD). Also called: MCADH DEFICIENCY; MCADD; ACADM DEFICIENCY; CARNITINE DEFICIENCY SECONDARY TO MEDIUM-CHAIN ACYL-CoA DEHYDROGENASE DEFICIENCY; Medium chain acyl-CoA dehydrogenase deficiency; MCAD Deficiency. Identifiers: Orphanet 42, MedGen C0220710, MONDO:0008721, OMIM 201450.

Allele frequency attached by ClinVar (database versions not stated): gnomAD exomes below 0.00001 and 0.00001; ExAC 0.00001.

Submissions (4):

Women's Health and Genetics/Laboratory Corporation of America, LabCorp
Classification: Pathogenic for Medium-chain acyl-coenzyme A dehydrogenase deficiency. Last evaluated: 2025-01-27. Review status: criteria provided, single submitter. Criteria: LabCorp Variant Classification Summary - May 2015. Collection method: clinical testing. Allele origin: germline.
Comment: Variant summary: ACADM c.843A>T (p.Arg281Ser) results in a non-conservative amino acid change located in the medium-chain specific acyl-CoA dehydrogenase domain (IPR034180) of the encoded protein sequence. Five of five in-silico tools predict a damaging effect of the variant on protein function. The variant allele was found at a frequency of 4e-06 in 251154 control chromosomes. c.843A>T has been reported in the literature in individuals affected with, or expected to develop, Medium Chain Acyl-CoA Dehydrogenase Deficiency (e.g., Arnold_2010, Ensenauer_2005, Hara_2016, Purevsuren_2009, Purevsuren_2012, Tajima_2016). These data indicate that the variant is likely to be associated with disease. At least one publication reports experimental evidence evaluating an impact on protein function (e.g., Hara_2016). The most pronounced variant effect results in approximately 1% of normal activity. The following publications have been ascertained in the context of this evaluation (PMID: 20036593, 15915086, 26947917, 22796001, 19064330, 27856190). ClinVar contains an entry for this variant (Variation ID: 550313). Based on the evidence outlined above, the variant was classified as pathogenic.

Natera, Inc.
Classification: Likely pathogenic for Medium Chain Acyl-CoA Dehydrogenase Deficiency. Last evaluated: 2024-11-04. Review status: criteria provided, single submitter. Criteria: Natera Variant Classification Schema (03/2026). Collection method: clinical testing. Allele origin: germline.
Comment: The c.843A>T variant in ACADM is a missense variant predicted to cause substitution of arginine to serine at amino acid 281. This variant is rare in the general population with a frequency below the threshold expected for the associated phenotype(s). This variant has been observed in one or more individuals affected with the associated recessive disease, as either homozygous or compound heterozygous with a second variant (PMID: 15915086, 20036593). Functional studies show that this variant may disrupt protein function (PMID: 26947917). Computational prediction algorithms indicate this variant is likely to affect gene or protein function. Given the available evidence, this variant is classified as Likely Pathogenic.

Labcorp Genetics (formerly Invitae), Labcorp
Classification: Pathogenic for Medium-chain acyl-coenzyme A dehydrogenase deficiency. Last evaluated: 2022-06-16. Review status: criteria provided, single submitter. Criteria: Invitae Variant Classification Sherloc (09022015). Collection method: clinical testing. Allele origin: germline.
Comment: For these reasons, this variant has been classified as Pathogenic. Experimental studies have shown that this missense change affects ACADM function (PMID: 26947917). Advanced modeling of protein sequence and biophysical properties (such as structural, functional, and spatial information, amino acid conservation, physicochemical variation, residue mobility, and thermodynamic stability) performed at Invitae indicates that this missense variant is expected to disrupt ACADM protein function. ClinVar contains an entry for this variant (Variation ID: 550313). This variant is also known as p.R256S. This missense change has been observed in individual(s) with medium-chain acyl-coenzyme A dehydrogenase deficiency (PMID: 15915086, 26947917, 27856190). In at least one individual the data is consistent with being in trans (on the opposite chromosome) from a pathogenic variant. This variant is present in population databases (rs780504551, gnomAD 0.01%). This sequence change replaces arginine, which is basic and polar, with serine, which is neutral and polar, at codon 281 of the ACADM protein (p.Arg281Ser).

Counsyl
Classification: Likely pathogenic for Medium-chain acyl-coenzyme A dehydrogenase deficiency. Last evaluated: 2017-01-05. Review status: no assertion criteria provided. Collection method: clinical testing. Allele origin: unknown. Not counted in ClinVar's aggregate classification.

Literature cited by the submitters: PubMed 20036593 (cited by Women's Health and Genetics/Laboratory Corporation of America, LabCorp and Natera, Inc.); PubMed 15915086 (cited by 4 submitters); PubMed 26947917 (cited by 4 submitters); PubMed 27856190 (cited by Women's Health and Genetics/Laboratory Corporation of America, LabCorp and Labcorp Genetics (formerly Invitae), Labcorp); PubMed 19064330 (cited by Women's Health and Genetics/Laboratory Corporation of America, LabCorp); PubMed 22796001 (cited by Women's Health and Genetics/Laboratory Corporation of America, LabCorp and Counsyl).